The following is an entry in ClinVar:

NM_000169.3(GLA):c.926C>T (p.Ala309Val)

Genes: GLA (galactosidase alpha; minus strand), RPL36A-HNRNPH2 (RPL36A-HNRNPH2 readthrough; plus strand). Cytogenetic location: Xq22.1.
Variant type: single nucleotide variant.
Coding change: c.926C>T on transcript NM_000169.3 (MANE Select); coding-DNA position 926, C replaced by T.
Protein change: p.Ala309Val; replaces alanine 309 with valine.
Molecular consequence: missense variant. On other transcripts: non-coding transcript variant (3), intron variant (2).
Genome position (GRCh38, 1-based): chrX:101,398,443, G>A on the plus strand (C>T on the coding strand, the complement: GLA is on the minus strand). VCF-style: chrX-101398443-G-A. GRCh37 (hg19) VCF-style: chrX-100653431-G-A.
Other names: c.1049C>T, p.Ala350Val (NM_001406747.1); c.926C>T, p.Ala309Val (NM_001406748.1); c.300+2986G>A (NM_001199973.2); c.177+6621G>A (NM_001199974.2); short protein forms A309V, A350V.
Identifiers: ClinVar variation 217401 (VCV000217401.12), dbSNP rs869312155, ClinGen allele CA353336.

ClinVar aggregate classification (germline): Uncertain significance. Review status: criteria provided, multiple submitters, no conflicts (2 of 4 stars). 8 submissions from 7 submitters: Uncertain significance (5). 3 of the submissions do not count toward it. Last evaluated 2026-09-08.

Conditions:
Fabry disease. Also called: ALPHA-GALACTOSIDASE A DEFICIENCY; ANDERSON-FABRY DISEASE; CERAMIDE TRIHEXOSIDASE DEFICIENCY; Fabry's disease; Angiokeratoma corporis diffusum; Ceramide trihexosidosis. Identifiers: Orphanet 324, MedGen C0002986, MONDO:0010526, OMIM 301500, HP:0001071. Disease mechanism: loss of function, Fabry disease is due to inactivating mutations in the X-linked GLA gene resulting in deficiency of the enzyme Alpha Galactosidase-A..
Migalastat response. Also called: 1-Deoxygalactonojirimycin response; Galafold response. Identifiers: MedGen CN233149.

Allele frequency attached by ClinVar (database versions not stated): gnomAD exomes below 0.00001.

Submissions (8):

Genomenon, Inc
Classification: Uncertain significance for Fabry disease. Last evaluated: 2026-09-08. Review status: criteria provided, single submitter. Criteria: Genomenon Sequence Variant Interpretation Standards - Updated. Collection method: curation. Allele origin: germline. Affected: yes.
Comment: GLA p.Ala309Val (c.926C>T) is a missense variant that changes the amino acid at codon 309 from Alanine to Valine. This variant has been observed in at least one proband with clinical features consistent with Fabry disease (PMID:37847061). Functional or patient cell studies have been reported (PMID:26415523). The presence of pathogenic/likely pathogenic missense variant(s) at the same amino acid position indicates that this residue is likely important for protein function. It is absent or not present at a significant frequency in gnomAD. In conclusion, we classify GLA p.Ala309Val (c.926C>T) as a variant of uncertain significance.

Labcorp Genetics (formerly Invitae), Labcorp
Classification: Uncertain significance for Fabry disease. Last evaluated: 2024-12-15. Review status: criteria provided, single submitter. Criteria: Invitae Variant Classification Sherloc (09022015). Collection method: clinical testing. Allele origin: germline.
Comment: This sequence change replaces alanine, which is neutral and non-polar, with valine, which is neutral and non-polar, at codon 309 of the GLA protein (p.Ala309Val). This variant is not present in population databases (gnomAD no frequency). This missense change has been observed in individual(s) with clinical features of Fabry disease (PMID: 26415523). ClinVar contains an entry for this variant (Variation ID: 217401). Invitae Evidence Modeling of protein sequence and biophysical properties (such as structural, functional, and spatial information, amino acid conservation, physicochemical variation, residue mobility, and thermodynamic stability) indicates that this missense variant is not expected to disrupt GLA protein function with a negative predictive value of 80%. Experimental studies are conflicting or provide insufficient evidence to determine the effect of this variant on GLA function (PMID: 26415523). In summary, the available evidence is currently insufficient to determine the role of this variant in disease. Therefore, it has been classified as a Variant of Uncertain Significance.

Genome-Nilou Lab
Classification: Uncertain significance for Fabry disease. Last evaluated: 2021-07-15. Review status: criteria provided, single submitter. Criteria: ACMG Guidelines, 2015. Collection method: clinical testing. Allele origin: germline. Affected: no.

Gharavi Laboratory, Columbia University
Classification: Uncertain significance. Last evaluated: 2018-09-16. Review status: criteria provided, single submitter. Criteria: ACMG Guidelines, 2015. Collection method: research. Allele origin: germline. Affected: no.

GeneDx
Classification: Uncertain significance. Last evaluated: 2016-11-18. Review status: criteria provided, single submitter. Criteria: GeneDx Variant Classification (06012015). Collection method: clinical testing. Allele origin: germline. Affected: yes.
Comment: A variant of uncertain significance has been identified in the GLA gene. While the A309V variant has not been published in association with cardiomyopathy, it has been reported in a patient undergoing testing for Fabry disease (Lukas et al., 2016). However, functional studies show that cells expressing this variant have approximately 50% enzyme activity when compared to wild type cells which is consistent with a mild form of Fabry disease (Lukas et al., 2016). The A309V variant is a conservative amino acid substitution, which is not likely to impact secondary protein structure as these residues share similar properties. This substitution occurs at a position that is not conserved across species and where Valine is the wild type in one non-mammalian species. In silico analysis suggests this variant likely does not alter the protein structure/function. Nevertheless, the A309V was not observed in the Exome Aggregation Consortium.Therefore, based on the currently available information, it is unclear whether this variant is pathogenic or rare benign.

Natera, Inc.
Classification: Uncertain significance for Fabry disease. Last evaluated: 2020-09-15. Review status: no assertion criteria provided. Collection method: clinical testing. Allele origin: germline. Not counted in ClinVar's aggregate classification.

Albrecht-Kossel-Institute, Medical University Rostock
Classification: Uncertain significance for Fabry's disease. Last evaluated: 2014-01-01. Review status: no assertion criteria provided. Collection method: research. Allele origin: inherited. Not counted in ClinVar's aggregate classification.

Albrecht-Kossel-Institute, Medical University Rostock
Classification: drug response for deoxygalactonojirimycin response. Last evaluated: 2014-01-01. Review status: no assertion criteria provided. Collection method: research. Allele origin: inherited. Not counted in ClinVar's aggregate classification.

Literature cited by the submitters: PubMed 37847061 (cited by Genomenon, Inc); PubMed 26415523 (cited by 3 submitters).